The following is an entry in ClinVar:

NM_153717.3(EVC):c.1693G>A (p.Ala565Thr)

Gene: EVC (EvC ciliary complex subunit 1; plus strand). Cytogenetic location: 4p16.2.
Variant type: single nucleotide variant.
Coding change: c.1693G>A on transcript NM_153717.3 (MANE Select); coding-DNA position 1693, G replaced by A.
Protein change: p.Ala565Thr; replaces alanine 565 with threonine.
Molecular consequence: missense variant.
Genome position (GRCh38, 1-based): chr4:5,783,681, G>A. VCF-style: chr4-5783681-G-A. GRCh37 (hg19) VCF-style: chr4-5785408-G-A.
Other names: c.1693G>A (NM_153717.2); c.1693G>A, p.Ala565Thr (NM_001306090.2); short protein forms A565T.
Identifiers: ClinVar variation 1020303 (VCV001020303.8), dbSNP rs926749491, ClinGen allele CA2836225.

ClinVar aggregate classification (germline): Uncertain significance. Review status: criteria provided, multiple submitters, no conflicts (2 of 4 stars). 3 submissions from 3 submitters: Uncertain significance (2). 1 of the submissions does not count toward it. Last evaluated 2021-10-12.

Conditions:
Ellis-van Creveld syndrome (EVC). Also called: EVC-Related Ellis-van Creveld Syndrome; EVC2-Related Ellis-van Creveld Syndrome; Chondroectodermal dysplasia; MESOECTODERMAL DYSPLASIA. Identifiers: Orphanet 289, MedGen C0013903, MONDO:0009162, OMIM 225500.
Curry-Hall syndrome (WAD). Also called: WEYERS ACRODENTAL DYSOSTOSIS. Identifiers: Orphanet 952, MedGen C0457013, MONDO:0008673, OMIM 193530.
Inborn genetic diseases. Identifiers: MedGen C0950123, MeSH D030342.

Allele frequency attached by ClinVar (database versions not stated): gnomAD 0.00001; gnomAD exomes 0.00001 and 0.00002; ExAC 0.00002; TOPMed 0.00002.
gnomAD v4.1: 18 of 1,613,888 alleles (0.0011%); highest among the groups gnomAD compares: Admixed American, 0.0083%; no homozygotes.

Submissions (3):

Ambry Genetics
Classification: Uncertain significance for Inborn genetic diseases. Last evaluated: 2021-10-12. Review status: criteria provided, single submitter. Criteria: Ambry Variant Classification Scheme 2023. Collection method: clinical testing. Allele origin: germline.

Labcorp Genetics (formerly Invitae), Labcorp
Classification: Uncertain significance for Curry-Hall syndrome; Ellis-van Creveld syndrome. Last evaluated: 2021-08-27. Review status: criteria provided, single submitter. Criteria: Invitae Variant Classification Sherloc (09022015). Collection method: clinical testing. Allele origin: germline.
Comment: This sequence change replaces alanine with threonine at codon 565 of the EVC protein (p.Ala565Thr). The alanine residue is weakly conserved and there is a small physicochemical difference between alanine and threonine. This variant is present in population databases (no rsID available, ExAC 0.03%). This variant has not been reported in the literature in individuals affected with EVC-related conditions. Algorithms developed to predict the effect of missense changes on protein structure and function output the following: SIFT: "Tolerated"; PolyPhen-2: "Benign"; Align-GVGD: "Class C0". The threonine amino acid residue is found in multiple mammalian species, which suggests that this missense change does not adversely affect protein function. In summary, the available evidence is currently insufficient to determine the role of this variant in disease. Therefore, it has been classified as a Variant of Uncertain Significance.

Natera, Inc.
Classification: Uncertain significance for Ellis-van Creveld syndrome. Last evaluated: 2020-02-21. Review status: no assertion criteria provided. Collection method: clinical testing. Allele origin: germline. Not counted in ClinVar's aggregate classification.